The following is an entry in ClinVar:

ClinVar aggregate classification (germline): Likely pathogenic (1 of 4 stars; one submission).

Conditions:
Glutaric aciduria, type 1. Also called: Glutaricacidemia Type 1; Glutaricaciduria, type I; GA I; Glutaryl-CoA dehydrogenase deficiency; Glutaric acidemia type I; Glutaric Acidemia Type 1. Identifiers: Orphanet 25, MedGen C0268595, MONDO:0009281, OMIM 231670.

Allele frequency attached by ClinVar (database versions not stated): gnomAD exomes below 0.00001.
gnomAD v4.1: 1 of 1,614,050 alleles (0.000062%); highest among the groups gnomAD compares: Non-Finnish European, 0.000085%; no homozygotes.

Submission:

Labcorp Genetics (formerly Invitae), Labcorp
Classification: Likely pathogenic for Glutaric aciduria, type 1. Last evaluated: 2023-09-21. Review status: criteria provided, single submitter. Criteria: Invitae Variant Classification Sherloc (09022015). Collection method: clinical testing. Allele origin: germline.
Comment: This sequence change replaces aspartic acid, which is acidic and polar, with asparagine, which is neutral and polar, at codon 396 of the GCDH protein (p.Asp396Asn). This missense change has been observed in individual(s) with clinical features of glutaric acidemia type I (Invitae). In at least one individual the data is consistent with being in trans (on the opposite chromosome) from a pathogenic variant. This variant is not present in population databases (gnomAD no frequency). In summary, the currently available evidence indicates that the variant is pathogenic, but additional data are needed to prove that conclusively. Therefore, this variant has been classified as Likely Pathogenic. Advanced modeling of protein sequence and biophysical properties (such as structural, functional, and spatial information, amino acid conservation, physicochemical variation, residue mobility, and thermodynamic stability) performed at Invitae indicates that this missense variant is expected to disrupt GCDH protein function.

NM_000159.4(GCDH):c.1186G>A (p.Asp396Asn)

Gene: GCDH (glutaryl-CoA dehydrogenase; plus strand). Cytogenetic location: 19p13.13.
Variant type: single nucleotide variant.
Coding change: c.1186G>A on transcript NM_000159.4 (MANE Select); coding-DNA position 1186, G replaced by A.
Protein change: p.Asp396Asn; replaces aspartic acid 396 with asparagine.
Molecular consequence: missense variant. On other transcripts: non-coding transcript variant (2).
Genome position (GRCh38, 1-based): chr19:12,897,806, G>A. VCF-style: chr19-12897806-G-A. GRCh37 (hg19) VCF-style: chr19-13008620-G-A.
Other names: c.1186G>A, p.Asp396Asn (NM_013976.5); short protein forms D396N.
Identifiers: ClinVar variation 2796340 (VCV002796340.3), dbSNP rs2512577630, ClinGen allele CA404321699.